The following is an entry in ClinVar:

ClinVar aggregate classification (germline): Uncertain significance (1 of 4 stars; one submission).

Submission:

Labcorp Genetics (formerly Invitae), Labcorp
Classification: Uncertain significance. Last evaluated: 2021-08-07. Review status: criteria provided, single submitter. Criteria: Invitae Variant Classification Sherloc (09022015). Collection method: clinical testing. Allele origin: germline.
Comment: In summary, the available evidence is currently insufficient to determine the role of this variant in disease. Therefore, it has been classified as a Variant of Uncertain Significance. This sequence change replaces glutamic acid with aspartic acid at codon 70 of the POLE protein (p.Glu70Asp). The glutamic acid residue is highly conserved and there is a small physicochemical difference between glutamic acid and aspartic acid. This variant is not present in population databases (ExAC no frequency). This variant has not been reported in the literature in individuals affected with POLE-related conditions. Algorithms developed to predict the effect of missense changes on protein structure and function (SIFT, PolyPhen-2, Align-GVGD) all suggest that this variant is likely to be tolerated.

NM_006231.4(POLE):c.210G>T (p.Glu70Asp)

Gene: POLE (DNA polymerase epsilon, catalytic subunit; minus strand). Cytogenetic location: 12q24.33.
Variant type: single nucleotide variant.
Coding change: c.210G>T on transcript NM_006231.4 (MANE Select); coding-DNA position 210, G replaced by T.
Protein change: p.Glu70Asp; replaces glutamic acid 70 with aspartic acid.
Molecular consequence: missense variant.
Genome position (GRCh38, 1-based): chr12:132,680,682, C>A on the plus strand (G>T on the coding strand, the complement: POLE is on the minus strand). VCF-style: chr12-132680682-C-A. GRCh37 (hg19) VCF-style: chr12-133257268-C-A.
Other names: short protein forms E70D.
Identifiers: ClinVar variation 1491563 (VCV001491563.6), dbSNP rs2136031370, ClinGen allele CA387369425.
Genomic context (GRCh38, chr12:132,680,682, plus strand): 5'-GTCATCTTGAATAAAGTAGTAATCCACTGCACTGCCTAAGCGCTTATCTTCATCTAAAAT[C>A]TCGGTCTACAAGAGAATCAGTCAACACAGACACAAGACCATCCTCTACACAGTTAGAGAA-3'
Protein context (NP_006222.2, residues 60-80): TGWLINMHPT[Glu70Asp]ILDEDKRLGS